The following is an entry in ClinVar:

ClinVar aggregate classification (germline): Uncertain significance (1 of 4 stars; one submission).

Conditions:
Hereditary nonpolyposis colorectal neoplasms. Identifiers: MedGen C0009405, MeSH D003123.

Submission:

Labcorp Genetics (formerly Invitae), Labcorp
Classification: Uncertain significance for Hereditary nonpolyposis colorectal neoplasms. Last evaluated: 2019-01-29. Review status: criteria provided, single submitter. Criteria: Invitae Variant Classification Sherloc (09022015). Collection method: clinical testing. Allele origin: germline.
Comment: In summary, the available evidence is currently insufficient to determine the role of this variant in disease. Therefore, it has been classified as a Variant of Uncertain Significance. Algorithms developed to predict the effect of missense changes on protein structure and function (SIFT, PolyPhen-2, Align-GVGD) all suggest that this variant is likely to be tolerated, but these predictions have not been confirmed by published functional studies and their clinical significance is uncertain. This variant has not been reported in the literature in individuals with MSH6-related conditions. This variant is not present in population databases (ExAC no frequency). This sequence change replaces proline with alanine at codon 320 of the MSH6 protein (p.Pro320Ala). The proline residue is moderately conserved and there is a small physicochemical difference between proline and alanine.

NM_000179.3(MSH6):c.958C>G (p.Pro320Ala)

Gene: MSH6 (mutS homolog 6; plus strand). Cytogenetic location: 2p16.3.
Variant type: single nucleotide variant.
Coding change: c.958C>G on transcript NM_000179.3 (MANE Select); coding-DNA position 958, C replaced by G.
Protein change: p.Pro320Ala; replaces proline 320 with alanine.
Molecular consequence: missense variant.
Genome position (GRCh38, 1-based): chr2:47,798,941, C>G. VCF-style: chr2-47798941-C-G. GRCh37 (hg19) VCF-style: chr2-48026080-C-G.
Other names: c.568C>G, p.Pro190Ala (NM_001281492.2); c.52C>G, p.Pro18Ala (NM_001281493.2, NM_001281494.2); short protein forms P18A, P190A, P320A.
Identifiers: ClinVar variation 837925 (VCV000837925.10), dbSNP rs754879198, ClinGen allele CA346740889.